The following is an entry in ClinVar:

ClinVar aggregate classification (germline): Conflicting classifications of pathogenicity. Review status: criteria provided, conflicting classifications (1 of 4 stars). 3 submissions from 3 submitters: Uncertain significance (1); Likely benign (1). 1 of the submissions does not count toward it. Last evaluated 2025-03-30.

Conditions:
CBL-related disorder. Also called: NOONAN SYNDROME-LIKE DISORDER WITHOUT JUVENILE MYELOMONOCYTIC LEUKEMIA; CBL MUTATION-ASSOCIATED SYNDROME; CBL SYNDROME. Identifiers: Orphanet 363972, MedGen C3150803, MONDO:0013308, OMIM 613563.
RASopathy. Also called: rasopathies; Noonan spectrum disorder. Identifiers: Orphanet 536391, MedGen C5555857, MONDO:0021060.
Juvenile myelomonocytic leukemia (JMML). Also called: LEUKEMIA, JUVENILE MYELOMONOCYTIC, SOMATIC. Identifiers: Orphanet 86834, MedGen C0349639, MONDO:0011908, OMIM 607785, HP:0012209.

Allele frequency attached by ClinVar (database versions not stated): gnomAD exomes below 0.00001; gnomAD 0.00001; TOPMed 0.00001.
gnomAD v4.1: 8 of 1,604,068 alleles (0.0005%); highest among the groups gnomAD compares: African/African-American, 0.0013%; no homozygotes.

Submissions (3):

Labcorp Genetics (formerly Invitae), Labcorp
Classification: Likely benign for RASopathy. Last evaluated: 2025-03-30. Review status: criteria provided, single submitter. Criteria: Invitae Variant Classification Sherloc (09022015). Collection method: clinical testing. Allele origin: germline.

Fulgent Genetics
Classification: Uncertain significance for Juvenile myelomonocytic leukemia; CBL-related disorder. Last evaluated: 2021-10-25. Review status: criteria provided, single submitter. Criteria: ACMG Guidelines, 2015. Collection method: clinical testing. Allele origin: unknown.

PreventionGenetics, part of Exact Sciences
Classification: Likely benign for CBL-related condition. Last evaluated: 2024-03-27. Review status: no assertion criteria provided. Collection method: clinical testing. Allele origin: germline. Not counted in ClinVar's aggregate classification.
Comment: This variant is classified as likely benign based on ACMG/AMP sequence variant interpretation guidelines (Richards et al. 2015 PMID: 25741868, with internal and published modifications).

NM_005188.4(CBL):c.2055A>G (p.Lys685=)

Gene: CBL (Cbl proto-oncogene; plus strand). Cytogenetic location: 11q23.3.
Variant type: single nucleotide variant.
Coding change: c.2055A>G on transcript NM_005188.4 (MANE Select); coding-DNA position 2055, A replaced by G.
Protein change: p.Lys685=; no amino-acid change (lysine 685 retained).
Molecular consequence: synonymous variant.
Genome position (GRCh38, 1-based): chr11:119,296,936, A>G. VCF-style: chr11-119296936-A-G. GRCh37 (hg19) VCF-style: chr11-119167646-A-G.
Identifiers: ClinVar variation 477704 (VCV000477704.7), dbSNP rs1454595224, ClinGen allele CA477129850.